The following is an entry in ClinVar:

NM_001015877.2(PHF6):c.444A>G (p.Glu148=)

Gene: PHF6 (PHD finger protein 6; plus strand). Cytogenetic location: Xq26.2.
Variant type: single nucleotide variant.
Coding change: c.444A>G on transcript NM_001015877.2 (MANE Select); coding-DNA position 444, A replaced by G.
Protein change: p.Glu148=; no amino-acid change (glutamic acid 148 retained).
Molecular consequence: synonymous variant.
Genome position (GRCh38, 1-based): chrX:134,413,516, A>G. VCF-style: chrX-134413516-A-G. GRCh37 (hg19) VCF-style: chrX-133547546-A-G.
Other names: c.447A>G, p.Glu149= (NM_032335.3); c.444A>G, p.Glu148= (NM_032458.3).
Identifiers: ClinVar variation 5001637 (VCV005001637.1).
Genomic context (GRCh38, chrX:134,413,516, plus strand): 5'-TGGTCCATAAAAAGTTTTTGTTCATTTTTAAGCAGCTGATTTAGAAGAAAGTTTTAATGA[A>G]CATGAACTGGAGCCCTCATCACCTAAAAGTAAAAAGAAAAGTCGCAAAGGAAGGCCAAGA-3'
Protein context (NP_001015877.1, residues 138-158): SEADLEESFN[Glu148=]HELEPSSPKS

ClinVar aggregate classification (germline): Likely benign (1 of 4 stars; one submission).

Conditions:
PHF6-related disorder. Also called: PHF6-related condition.

gnomAD v4.1: 1 of 1,211,037 alleles (0.000083%); no homozygotes.

Submission:

PreventionGenetics, part of Exact Sciences
Classification: Likely benign for PHF6-related condition. Last evaluated: 2025-05-29. Review status: criteria provided, single submitter. Criteria: ACMG Guidelines, 2015. Collection method: clinical testing. Allele origin: germline.
Comment: This variant is classified as likely benign based on ACMG/AMP sequence variant interpretation guidelines (Richards et al. 2015 PMID: 25741868, with internal and published modifications).